The following is an entry in ClinVar:

ClinVar aggregate classification (germline): Conflicting classifications of pathogenicity. Review status: criteria provided, conflicting classifications (1 of 4 stars). 2 submissions from 2 submitters: Uncertain significance (1); Likely benign (1). Last evaluated 2024-02-19.

Allele frequency attached by ClinVar (database versions not stated): TOPMed 0.00007; ExAC 0.00010; gnomAD exomes 0.00010; gnomAD 0.00015.
gnomAD v4.1: 173 of 1,614,050 alleles (0.011%); highest among the groups gnomAD compares: Non-Finnish European, 0.011%; no homozygotes.

Submissions (2):

Labcorp Genetics (formerly Invitae), Labcorp
Classification: Uncertain significance. Last evaluated: 2024-02-19. Review status: criteria provided, single submitter. Criteria: Invitae Variant Classification Sherloc (09022015). Collection method: clinical testing. Allele origin: germline.
Comment: This sequence change replaces threonine, which is neutral and polar, with alanine, which is neutral and non-polar, at codon 518 of the NYNRIN protein (p.Thr518Ala). This variant is present in population databases (rs199653140, gnomAD 0.04%). This variant has not been reported in the literature in individuals affected with NYNRIN-related conditions. ClinVar contains an entry for this variant (Variation ID: 2394100). In summary, the available evidence is currently insufficient to determine the role of this variant in disease. Therefore, it has been classified as a Variant of Uncertain Significance.

Ambry Genetics
Classification: Likely benign. Last evaluated: 2022-10-04. Review status: criteria provided, single submitter. Criteria: Ambry Variant Classification Scheme 2023. Collection method: clinical testing. Allele origin: germline.

NM_025081.3(NYNRIN):c.1552A>G (p.Thr518Ala)

Gene: NYNRIN (NYN domain and retroviral integrase containing; plus strand). Cytogenetic location: 14q12.
Variant type: single nucleotide variant.
Coding change: c.1552A>G on transcript NM_025081.3 (MANE Select); coding-DNA position 1552, A replaced by G.
Protein change: p.Thr518Ala; replaces threonine 518 with alanine.
Molecular consequence: missense variant.
Genome position (GRCh38, 1-based): chr14:24,409,346, A>G. VCF-style: chr14-24409346-A-G. GRCh37 (hg19) VCF-style: chr14-24878552-A-G.
Other names: short protein forms T518A.
Identifiers: ClinVar variation 2394100 (VCV002394100.4), dbSNP rs199653140, ClinGen allele CA7136813.